The following is an entry in ClinVar:

ClinVar aggregate classification (germline): Pathogenic (1 of 4 stars; one submission).

Conditions:
Hypertrophic cardiomyopathy. Also called: HYPERTROPHIC MYOCARDIOPATHY. Identifiers: Orphanet 217569, MedGen C0007194, MeSH D002312, MONDO:0005045, HP:0001639.

Submission:

Labcorp Genetics (formerly Invitae), Labcorp
Classification: Pathogenic for Hypertrophic cardiomyopathy. Last evaluated: 2021-08-04. Review status: criteria provided, single submitter. Criteria: Invitae Variant Classification Sherloc (09022015). Collection method: clinical testing. Allele origin: germline.
Comment: This variant is a gross deletion of the genomic region encompassing exon(s) 23-26 of the MYBPC3 gene. This deletion is out-of-frame, and is expected to create a premature translational stop signal and result in an absent or disrupted protein product. Loss-of-function variants in MYBPC3 are known to be pathogenic (PMID: 19574547). A similar copy number variant has been observed in individual(s) with hypertrophic cardiomyopathy (PMID: 22115648, 27532257). For these reasons, this variant has been classified as Pathogenic.

Literature cited by the submitters: PubMed 19574547; PubMed 22115648; PubMed 27532257.

NC_000011.9:g.(?_47357408)_(47360250_?)del

Gene: MYBPC3 (myosin binding protein C3; minus strand). Cytogenetic location: 11p11.2.
Variant type: Deletion.
Identifiers: ClinVar variation 2422691 (VCV002422691.3).